The following is an entry in ClinVar:

NM_001350451.2(RBFOX3):c.205G>C (p.Gly69Arg)

Gene: RBFOX3 (RNA binding fox-1 homolog 3; minus strand). Cytogenetic location: 17q25.3.
Variant type: single nucleotide variant.
Coding change: c.205G>C on transcript NM_001350451.2 (MANE Select); coding-DNA position 205, G replaced by C.
Protein change: p.Gly69Arg; replaces glycine 69 with arginine.
Molecular consequence: missense variant.
Genome position (GRCh38, 1-based): chr17:79,115,511, C>G on the plus strand (G>C on the coding strand, the complement: RBFOX3 is on the minus strand). VCF-style: chr17-79115511-C-G. GRCh37 (hg19) VCF-style: chr17-77111593-C-G.
Other names: c.205G>C, p.Gly69Arg (NM_001082575.3, NM_001350453.2, NM_001385804.1 and 43 more transcripts); short protein forms G69R.
Identifiers: ClinVar variation 2809023 (VCV002809023.3), dbSNP rs1277972988, ClinGen allele CA401317867.

ClinVar aggregate classification (germline): Uncertain significance (1 of 4 stars; one submission).

Conditions:
Idiopathic generalized epilepsy. Also called: EIG; Generalised epilepsy. Identifiers: MedGen C0270850, MONDO:0005579, OMIM 600669.

Submission:

Labcorp Genetics (formerly Invitae), Labcorp
Classification: Uncertain significance for Idiopathic generalized epilepsy. Last evaluated: 2022-10-27. Review status: criteria provided, single submitter. Criteria: Invitae Variant Classification Sherloc (09022015). Collection method: clinical testing. Allele origin: germline.
Comment: In summary, the available evidence is currently insufficient to determine the role of this variant in disease. Therefore, it has been classified as a Variant of Uncertain Significance. This variant has not been reported in the literature in individuals affected with RBFOX3-related conditions. Advanced modeling of protein sequence and biophysical properties (such as structural, functional, and spatial information, amino acid conservation, physicochemical variation, residue mobility, and thermodynamic stability) performed at Invitae indicates that this missense variant is not expected to disrupt RBFOX3 protein function. This variant is not present in population databases (gnomAD no frequency). This sequence change replaces glycine, which is neutral and non-polar, with arginine, which is basic and polar, at codon 69 of the RBFOX3 protein (p.Gly69Arg).